The following is an entry in ClinVar:

ClinVar aggregate classification (germline): Benign. Review status: criteria provided, multiple submitters, no conflicts (2 of 4 stars). 8 submissions from 8 submitters: Benign (5). 3 of the submissions do not count toward it. Last evaluated 2026-02-04.

Conditions:
Amyotrophic lateral sclerosis type 1 (ALS1). Also called: AMYOTROPHIC LATERAL SCLEROSIS 1, FAMILIAL. Identifiers: Orphanet 803, MedGen C1862939, MONDO:0007103, OMIM 105400.

Allele frequency attached by ClinVar (database versions not stated): 1000 Genomes Project 30x 0.02795; 1000 Genomes Project 0.02935; TOPMed 0.06314; gnomAD 0.06618 and 0.06827; ExAC 0.06870; ESP Exome Variant Server 0.07020; gnomAD exomes 0.07048 and 0.08105.
gnomAD v4.1: 128,490 of 1,614,054 alleles (8%); highest among the groups gnomAD compares: Non-Finnish European, 9%; 5,810 homozygotes.

Submissions (8):

Labcorp Genetics (formerly Invitae), Labcorp
Classification: Benign. Last evaluated: 2026-02-04. Review status: criteria provided, single submitter. Criteria: Invitae Variant Classification Sherloc (09022015). Collection method: clinical testing. Allele origin: germline.

Mayo Clinic Laboratories, Mayo Clinic
Classification: Benign. Last evaluated: 2022-12-15. Review status: criteria provided, single submitter. Criteria: ACMG Guidelines, 2015. Collection method: clinical testing. Allele origin: germline. Observed: 299 variant alleles.

GeneDx
Classification: Benign. Last evaluated: 2019-04-19. Review status: criteria provided, single submitter. Criteria: GeneDx Variant Classification Process June 2021. Collection method: clinical testing. Allele origin: germline. Affected: yes.
Comment: This variant is associated with the following publications: (PMID: 30180840)

Clinical Genetics DNA and cytogenetics Diagnostics Lab, Erasmus MC, Erasmus Medical Center
Classification: Benign for Amyotrophic lateral sclerosis type 1. Last evaluated: 2015-09-21. Review status: criteria provided, single submitter. Criteria: ACGS Guidelines, 2013. Collection method: clinical testing. Allele origin: germline. Affected: yes. Study: VKGL Data-share Consensus.

Breakthrough Genomics
Classification: Benign. Review status: criteria provided, single submitter. Criteria: ACMG Guidelines, 2015. Collection method: not provided. Allele origin: germline. Inheritance: Autosomal recessive inheritance. Affected: yes.

Genome Diagnostics Laboratory, Amsterdam University Medical Center
Classification: Benign for Amyotrophic lateral sclerosis type 1. Last evaluated: 2015-04-28. Review status: no assertion criteria provided. Criteria: ACGS Guidelines, 2013. Collection method: clinical testing. Allele origin: germline. Affected: yes. Study: VKGL Data-share Consensus. Not counted in ClinVar's aggregate classification.

Clinical Genetics, Academic Medical Center
Classification: Benign. Review status: no assertion criteria provided. Collection method: clinical testing. Allele origin: germline. Affected: yes. Study: VKGL Data-share Consensus. Not counted in ClinVar's aggregate classification.

Epithelial Biology;  Institute of Medical Biology, Singapore
No classification provided. Review status: no classification provided. Collection method: not provided. Allele origin: not provided. Not counted in ClinVar's aggregate classification.

NM_021076.4(NEFH):c.1387G>A (p.Glu463Lys)

Gene: NEFH (neurofilament heavy chain; plus strand). Cytogenetic location: 22q12.2.
Variant type: single nucleotide variant.
Coding change: c.1387G>A on transcript NM_021076.4 (MANE Select); coding-DNA position 1387, G replaced by A.
Protein change: p.Glu463Lys; replaces glutamic acid 463 with lysine.
Molecular consequence: missense variant.
Genome position (GRCh38, 1-based): chr22:29,489,027, G>A. VCF-style: chr22-29489027-G-A. GRCh37 (hg19) VCF-style: chr22-29885016-G-A.
Other names: p.Glu463Lys; short protein forms E463K.
Identifiers: ClinVar variation 66729 (VCV000066729.17), dbSNP rs59371099, ClinGen allele CA217632.